The following is an entry in ClinVar:

ClinVar aggregate classification (germline): Uncertain significance. Review status: criteria provided, multiple submitters, no conflicts (2 of 4 stars). 3 submissions from 3 submitters: Uncertain significance (3). Last evaluated 2024-12-02.

Conditions:
Inborn genetic diseases. Identifiers: MedGen C0950123, MeSH D030342.
Hereditary spastic paraplegia 48. Also called: Spastic paraplegia 48; SPASTIC PARAPLEGIA 48, AUTOSOMAL RECESSIVE. Identifiers: Orphanet 306511, MedGen C3150901, MONDO:0013342, OMIM 613647.

Allele frequency attached by ClinVar (database versions not stated): gnomAD exomes 0.00004 and 0.00018; gnomAD 0.00007 and 0.00008; ExAC 0.00014; TOPMed 0.00014.
gnomAD v4.1: 62 of 1,613,254 alleles (0.0038%); highest among the groups gnomAD compares: Admixed American, 0.095%; no homozygotes.

Submissions (3):

Labcorp Genetics (formerly Invitae), Labcorp
Classification: Uncertain significance for Hereditary spastic paraplegia 48. Last evaluated: 2024-12-02. Review status: criteria provided, single submitter. Criteria: Invitae Variant Classification Sherloc (09022015). Collection method: clinical testing. Allele origin: germline.
Comment: This sequence change replaces leucine, which is neutral and non-polar, with proline, which is neutral and non-polar, at codon 392 of the AP5Z1 protein (p.Leu392Pro). This variant is present in population databases (rs772560472, gnomAD 0.1%). This variant has not been reported in the literature in individuals affected with AP5Z1-related conditions. ClinVar contains an entry for this variant (Variation ID: 856619). Invitae Evidence Modeling of protein sequence and biophysical properties (such as structural, functional, and spatial information, amino acid conservation, physicochemical variation, residue mobility, and thermodynamic stability) indicates that this missense variant is expected to disrupt AP5Z1 protein function with a positive predictive value of 80%. In summary, the available evidence is currently insufficient to determine the role of this variant in disease. Therefore, it has been classified as a Variant of Uncertain Significance.

Baylor Genetics
Classification: Uncertain significance for Hereditary spastic paraplegia 48. Last evaluated: 2023-03-02. Review status: criteria provided, single submitter. Criteria: ACMG Guidelines, 2015. Collection method: clinical testing. Allele origin: unknown.

Ambry Genetics
Classification: Uncertain significance for Inborn genetic diseases. Last evaluated: 2021-07-08. Review status: criteria provided, single submitter. Criteria: Ambry Variant Classification Scheme 2023. Collection method: clinical testing. Allele origin: germline.

NM_014855.3(AP5Z1):c.1175T>C (p.Leu392Pro)

Gene: AP5Z1 (adaptor related protein complex 5 subunit zeta 1; plus strand). Cytogenetic location: 7p22.1.
Variant type: single nucleotide variant.
Coding change: c.1175T>C on transcript NM_014855.3 (MANE Select); coding-DNA position 1175, T replaced by C.
Protein change: p.Leu392Pro; replaces leucine 392 with proline.
Molecular consequence: missense variant. On other transcripts: non-coding transcript variant (1).
Genome position (GRCh38, 1-based): chr7:4,786,292, T>C. VCF-style: chr7-4786292-T-C. GRCh37 (hg19) VCF-style: chr7-4825923-T-C.
Other names: c.707T>C, p.Leu236Pro (NM_001364858.1); short protein forms L236P, L392P.
Identifiers: ClinVar variation 856619 (VCV000856619.9), dbSNP rs772560472, ClinGen allele CA4137673.